The following is an entry in ClinVar:

NM_000435.3(NOTCH3):c.212_229dup (p.Cys76_Gln77insArgValGlyGluArgCys)

Gene: NOTCH3 (notch receptor 3; minus strand). Cytogenetic location: 19p13.12.
Variant type: Duplication.
Coding change: c.212_229dup on transcript NM_000435.3 (MANE Select); coding-DNA positions 212 to 229, 18 bases duplicated (GGGTGGGTGAGCGGTGTC).
Protein change: p.Cys76_Gln77insArgValGlyGluArgCys.
Molecular consequence: inframe insertion.
Genome position (GRCh38, 1-based): chr19:15,192,488-15,192,505, GACACCGCTCACCCACCC duplicated on the plus strand (GGGTGGGTGAGCGGTGTC on the coding strand, the reverse complement: NOTCH3 is on the minus strand). VCF-style (leftmost placement, unchanged base first): chr19-15192487-T-TGACACCGCTCACCCACCC. GRCh37 (hg19) VCF-style: chr19-15303298-T-TGACACCGCTCACCCACCC.
Other names: p.Cys76_Gln77insArgValGlyGluArgCys.
Identifiers: ClinVar variation 1256497 (VCV001256497.2), dbSNP rs2145443744, ClinGen allele CA2499225414.

ClinVar aggregate classification (germline): Pathogenic/Likely pathogenic. Review status: criteria provided, multiple submitters, no conflicts (2 of 4 stars). 2 submissions from 2 submitters: Pathogenic (1); Likely pathogenic (1). Last evaluated 2023-06-21.

Submissions (2):

Mayo Clinic Laboratories, Mayo Clinic
Classification: Likely pathogenic. Last evaluated: 2023-06-21. Review status: criteria provided, single submitter. Criteria: ACMG Guidelines, 2015. Collection method: clinical testing. Allele origin: germline. Observed: 1 variant allele.
Comment: PM1, PM2_moderate, PM4

Athena Diagnostics
Classification: Pathogenic. Last evaluated: 2021-04-12. Review status: criteria provided, single submitter. Criteria: Athena Diagnostics criteria. Collection method: clinical testing. Allele origin: unknown.
Comment: This variant has not been reported in large, multi-ethnic general populations. This variant has been identified in at least one individual with clinical features associated with this gene. This variant is located within the epidermal growth factor (EGF)-like repeat domain and is predicted to result in the insertion of 6 residues, including a cysteine residue (p.Cys76_Gln77insArgValGlyGluArgCys). Greater than 90% of NOTCH3 pathogenic mutations associated with CADASIL involve the gain or loss of a cysteine residue within the epidermal growth factor (EGF)-like repeat domain (PMID: 32457593, 20301673).